The following is an entry in ClinVar:

ClinVar aggregate classification (germline): Uncertain significance (1 of 4 stars; one submission).

Submission:

GeneDx
Classification: Uncertain significance. Last evaluated: 2025-04-21. Review status: criteria provided, single submitter. Criteria: GeneDx Variant Classification Process June 2021. Collection method: clinical testing. Allele origin: germline. Affected: yes.
Comment: Frameshift variant predicted to result in protein truncation or nonsense mediated decay in a gene or region of a gene for which loss of function is not a well-established mechanism of disease; Not observed at significant frequency in large population cohorts (gnomAD); Has not been previously published as pathogenic or benign to our knowledge

NM_003412.4(ZIC1):c.322_380dup (p.Phe128fs)

Gene: ZIC1 (Zic family zinc finger 1; plus strand). Cytogenetic location: 3q24.
Variant type: Duplication.
Coding change: c.322_380dup on transcript NM_003412.4 (MANE Select); coding-DNA positions 322 to 380, 59 bases duplicated.
Protein change: p.Phe128fs; shifts the reading frame from phenylalanine 128.
Molecular consequence: frameshift variant.
Genome position (GRCh38, 1-based): chr3:147,410,434-147,410,492, 59 bases duplicated. GRCh37 (hg19): chr3:147,128,221-147,128,279.
Other names: short protein forms F128fs.
Identifiers: ClinVar variation 4527086 (VCV004527086.1).